The following is an entry in ClinVar:

ClinVar aggregate classification (germline): Uncertain significance. Review status: criteria provided, single submitter (1 of 4 stars). 2 submissions from 2 submitters: Uncertain significance (1). 1 of the submissions does not count toward it. Last evaluated 2024-01-23.

Conditions:
SEMA3G-related disorder. Also called: SEMA3G-related condition.

Allele frequency attached by ClinVar (database versions not stated): gnomAD exomes below 0.00001; gnomAD 0.00001; TOPMed 0.00003.

Submissions (2):

Ambry Genetics
Classification: Uncertain significance. Last evaluated: 2024-01-23. Review status: criteria provided, single submitter. Criteria: Ambry Variant Classification Scheme 2023. Collection method: clinical testing. Allele origin: germline.

PreventionGenetics, part of Exact Sciences
Classification: Uncertain significance for SEMA3G-related condition. Last evaluated: 2024-05-20. Review status: no assertion criteria provided. Collection method: clinical testing. Allele origin: germline. Not counted in ClinVar's aggregate classification.
Comment: The SEMA3G c.1180T>C variant is predicted to result in the amino acid substitution p.Phe394Leu. To our knowledge, this variant has not been reported in the literature. This variant is reported in 0.0040% of alleles in individuals of African descent in gnomAD. At this time, the clinical significance of this variant is uncertain due to the absence of conclusive functional and genetic evidence.

NM_020163.3(SEMA3G):c.1180T>C (p.Phe394Leu)

Gene: SEMA3G (semaphorin 3G; minus strand). Cytogenetic location: 3p21.1.
Variant type: single nucleotide variant.
Coding change: c.1180T>C on transcript NM_020163.3 (MANE Select); coding-DNA position 1180, T replaced by C.
Protein change: p.Phe394Leu; replaces phenylalanine 394 with leucine.
Molecular consequence: missense variant.
Genome position (GRCh38, 1-based): chr3:52,440,062, A>G on the plus strand (T>C on the coding strand, the complement: SEMA3G is on the minus strand). VCF-style: chr3-52440062-A-G. GRCh37 (hg19) VCF-style: chr3-52474078-A-G.
Other names: c.1180T>C (NM_020163.2); short protein forms F394L.
Identifiers: ClinVar variation 3159740 (VCV003159740.2), dbSNP rs1033771054, ClinGen allele CA74766406.
Genomic context (GRCh38, chr3:52,440,062, plus strand): 5'-TGAGGGGGTGGGCTCGGGCAAACTGCAGCACCTCATCTGGGTAGTCCTTGGTGCTGCCAA[A>G]AGGCCGTCCTGGCTGTGCGGTCATCTTGCTGGGGCACTGTGGGCAGCAGGGAAGGGAGTG-3'
Protein context (NP_064548.1, residues 384-404): SKMTAQPGRP[Phe394Leu]GSTKDYPDEV